The following is an entry in ClinVar:

ClinVar aggregate classification (germline): Benign/Likely benign. Review status: criteria provided, multiple submitters, no conflicts (2 of 4 stars). 5 submissions from 5 submitters: Benign (1); Likely benign (4). Last evaluated 2025-06-09.

Conditions:
Cardiovascular phenotype. Identifiers: MedGen CN230736.
Naxos disease (NXD). Also called: KERATOSIS PALMOPLANTARIS WITH ARRHYTHMOGENIC CARDIOMYOPATHY; MAL DE NAXOS; PALMOPLANTAR KERATODERMA WITH ARRHYTHMOGENIC RIGHT VENTRICULAR CARDIOMYOPATHY AND WOOLLY HAIR; WOOLLY HAIR, PALMOPLANTAR KERATODERMA, AND CARDIAC ABNORMALITIES; CARDIOMYOPATHY, ARRHYTHMOGENIC RIGHT VENTRICULAR, WITH SKIN, HAIR, AND NAIL ABNORMALITIES. Identifiers: Orphanet 34217, MedGen C1832600, MONDO:0011017, OMIM 601214.
Arrhythmogenic right ventricular dysplasia 12. Also called: ARRHYTHMOGENIC RIGHT VENTRICULAR DYSPLASIA, FAMILIAL, 12. Identifiers: MedGen C1969081, MONDO:0012684, OMIM 611528.

Allele frequency attached by ClinVar (database versions not stated): gnomAD 0.00002; TOPMed 0.00002.
gnomAD v4.1: 48 of 1,610,196 alleles (0.003%); highest among the groups gnomAD compares: East Asian, 0.0045%; no homozygotes.

Submissions (5):

Labcorp Genetics (formerly Invitae), Labcorp
Classification: Likely benign for Arrhythmogenic right ventricular dysplasia 12; Naxos disease. Last evaluated: 2025-06-09. Review status: criteria provided, single submitter. Criteria: Invitae Variant Classification Sherloc (09022015). Collection method: clinical testing. Allele origin: germline.

Molecular Diagnostic Laboratory for Inherited Cardiovascular Disease, Montreal Heart Institute
Classification: Likely benign. Last evaluated: 2025-04-09. Review status: criteria provided, single submitter. Criteria: ACMG Guidelines, 2015. Collection method: clinical testing. Allele origin: germline. Affected: no.

Ambry Genetics
Classification: Likely benign for Cardiovascular phenotype. Last evaluated: 2019-08-16. Review status: criteria provided, single submitter. Criteria: Ambry Variant Classification Scheme 2023. Collection method: clinical testing. Allele origin: germline.

GeneDx
Classification: Benign. Last evaluated: 2015-03-03. Review status: criteria provided, single submitter. Criteria: GeneDx Variant Classification Process June 2021. Collection method: clinical testing. Allele origin: germline. Affected: yes.

Laboratory for Molecular Medicine, Mass General Brigham Personalized Medicine
Classification: Likely benign. Last evaluated: 2012-04-11. Review status: criteria provided, single submitter. Criteria: LMM Criteria. Collection method: clinical testing. Allele origin: germline. Observed: 1 variant allele.
Comment: Ala117Ala in exon 3 of JUP: This variant is not expected to have clinical signif icance because it does not alter an amino acid residue and it is not located wit hin the splice consensus sequence. Ala117Ala in exon 3 of JUP (allele frequenc y = n/a)

NM_002230.4(JUP):c.351C>T (p.Ala117=)

Gene: JUP (junction plakoglobin; minus strand). Cytogenetic location: 17q21.2.
Variant type: single nucleotide variant.
Coding change: c.351C>T on transcript NM_002230.4 (MANE Select); coding-DNA position 351, C replaced by T.
Protein change: p.Ala117=; no amino-acid change (alanine 117 retained).
Molecular consequence: synonymous variant.
Genome position (GRCh38, 1-based): chr17:41,769,535, G>A on the plus strand (C>T on the coding strand, the complement: JUP is on the minus strand). VCF-style: chr17-41769535-G-A. GRCh37 (hg19) VCF-style: chr17-39925787-G-A.
Other names: c.351C>T, p.Ala117= (NM_001352773.2, NM_001352774.2, NM_001352775.2 and 3 more transcripts); c.351C>T (NM_002230.3).
Identifiers: ClinVar variation 45849 (VCV000045849.17), dbSNP rs397517300, ClinGen allele CA137203.